The following is an entry in ClinVar:

NM_001382391.1(CSPP1):c.653G>A (p.Arg218Gln)

Gene: CSPP1 (centrosome and spindle pole associated protein 1; plus strand). Cytogenetic location: 8q13.1.
Variant type: single nucleotide variant.
Coding change: c.653G>A on transcript NM_001382391.1 (MANE Select); coding-DNA position 653, G replaced by A.
Protein change: p.Arg218Gln; replaces arginine 218 with glutamine.
Molecular consequence: missense variant. On other transcripts: 5 prime UTR variant (1).
Genome position (GRCh38, 1-based): chr8:67,095,462, G>A. VCF-style: chr8-67095462-G-A. GRCh37 (hg19) VCF-style: chr8-68007697-G-A.
Other names: c.-203G>A (NM_001291339.2); c.572G>A, p.Arg191Gln (NM_001363131.2, NM_001363133.2); c.653G>A, p.Arg218Gln (NM_001363132.2); c.761G>A, p.Arg254Gln (NM_001364869.1); c.680G>A, p.Arg227Gln (NM_001364870.1, NM_024790.7); short protein forms R191Q, R218Q, R227Q, R254Q.
Identifiers: ClinVar variation 1508403 (VCV001508403.7), dbSNP rs371211802, ClinGen allele CA4770329.

ClinVar aggregate classification (germline): Uncertain significance. Review status: criteria provided, multiple submitters, no conflicts (2 of 4 stars). 2 submissions from 2 submitters: Uncertain significance (2). Last evaluated 2026-01-28.

Conditions:
Joubert syndrome 21 (JBTS21). Identifiers: MedGen C3810212, MONDO:0014288, OMIM 615636.
CSPP1-related disorder. Also called: CSPP1-related condition.

Allele frequency attached by ClinVar (database versions not stated): gnomAD exomes 0.00001 and 0.00003; ExAC 0.00003; ESP Exome Variant Server 0.00008; TOPMed 0.00008; gnomAD 0.00011.
gnomAD v4.1: 25 of 1,613,084 alleles (0.0015%); highest among the groups gnomAD compares: Admixed American, 0.027%; no homozygotes.

Submissions (2):

Labcorp Genetics (formerly Invitae), Labcorp
Classification: Uncertain significance for Joubert syndrome 21. Last evaluated: 2026-01-28. Review status: criteria provided, single submitter. Criteria: Invitae Variant Classification Sherloc (09022015). Collection method: clinical testing. Allele origin: germline.
Comment: This sequence change replaces arginine, which is basic and polar, with glutamine, which is neutral and polar, at codon 227 of the CSPP1 protein (p.Arg227Gln). This variant is present in population databases (rs371211802, gnomAD 0.02%). This variant has not been reported in the literature in individuals affected with CSPP1-related conditions. ClinVar contains an entry for this variant (Variation ID: 1508403). An algorithm developed to predict the effect of missense changes on protein structure and function outputs the following: PolyPhen-2: "Benign". The glutamine amino acid residue is found in multiple mammalian species, which suggests that this missense change does not adversely affect protein function. In summary, the available evidence is currently insufficient to determine the role of this variant in disease. Therefore, it has been classified as a Variant of Uncertain Significance.

PreventionGenetics, part of Exact Sciences
Classification: Uncertain significance for CSPP1-related condition. Last evaluated: 2025-09-16. Review status: criteria provided, single submitter. Criteria: ACMG Guidelines, 2015. Collection method: clinical testing. Allele origin: germline.
Comment: The CSPP1 c.680G>A variant is predicted to result in the amino acid substitution p.Arg227Gln. To our knowledge, this variant has not been reported in the literature. This variant is reported in 0.015% of alleles in individuals of East Asian descent in gnomAD. At this time, the clinical significance of this variant is uncertain due to the absence of conclusive functional and genetic evidence.